The following is an entry in ClinVar:

ClinVar aggregate classification (germline): Benign/Likely benign. Review status: criteria provided, multiple submitters, no conflicts (2 of 4 stars). 2 submissions from 2 submitters: Benign (1); Likely benign (1). Last evaluated 2021-08-09.

Conditions:
Pseudohypoaldosteronism type 2B (PHA2B). Also called: Pseudohypoaldosteronism Type IIB. Identifiers: Orphanet 757, Orphanet 88939, MedGen C1840390, MONDO:0013777, OMIM 614491.

Allele frequency attached by ClinVar (database versions not stated): ESP Exome Variant Server 0.00008; TOPMed 0.00012; gnomAD exomes 0.00041 and 0.00071; 1000 Genomes Project 30x 0.00047; ExAC 0.00059; gnomAD 0.00059 and 0.00061; 1000 Genomes Project 0.00060.
gnomAD v4.1: 680 of 1,614,048 alleles (0.042%); highest among the groups gnomAD compares: Non-Finnish European, 0.023%; 2 homozygotes.

Submissions (2):

Fulgent Genetics
Classification: Likely benign for Pseudohypoaldosteronism type 2B. Last evaluated: 2021-08-09. Review status: criteria provided, single submitter. Criteria: ACMG Guidelines, 2015. Collection method: clinical testing. Allele origin: unknown.

Illumina Laboratory Services, Illumina
Classification: Benign for Pseudohypoaldosteronism type 2B. Last evaluated: 2018-01-13. Review status: criteria provided, single submitter. Criteria: ICSL Variant Classification Criteria 13 December 2019. Collection method: clinical testing. Allele origin: germline.
Comment: This variant was observed in the ICSL laboratory as part of a predisposition screen in an ostensibly healthy population. It had not been previously curated by ICSL or reported in the Human Gene Mutation Database (HGMD: prior to June 1st, 2018), and was therefore a candidate for classification through an automated scoring system. Utilizing variant allele frequency, disease prevalence and penetrance estimates, and inheritance mode, an automated score was calculated to assess if this variant is too frequent to cause the disease. Based on the score and internal cut-off values, a variant classified as benign is not then subjected to further curation. The score for this variant resulted in a classification of benign for this disease.

NM_032387.5(WNK4):c.2207G>A (p.Arg736Gln)

Gene: WNK4 (WNK lysine deficient protein kinase 4; plus strand). Cytogenetic location: 17q21.2.
Variant type: single nucleotide variant.
Coding change: c.2207G>A on transcript NM_032387.5 (MANE Select); coding-DNA position 2207, G replaced by A.
Protein change: p.Arg736Gln; replaces arginine 736 with glutamine.
Molecular consequence: missense variant.
Genome position (GRCh38, 1-based): chr17:42,793,641, G>A. VCF-style: chr17-42793641-G-A. GRCh37 (hg19) VCF-style: chr17-40945659-G-A.
Other names: c.1199G>A, p.Arg400Gln (NM_001321299.2); short protein forms R736Q, R400Q.
Identifiers: ClinVar variation 323336 (VCV000323336.6), dbSNP rs149389156, ClinGen allele CA8584258.